The following is an entry in ClinVar:

NM_005475.3(SH2B3):c.976A>C (p.Ser326Arg)

Gene: SH2B3 (SH2B adaptor protein 3; plus strand). Cytogenetic location: 12q24.12.
Variant type: single nucleotide variant.
Coding change: c.976A>C on transcript NM_005475.3 (MANE Select); coding-DNA position 976, A replaced by C.
Protein change: p.Ser326Arg; replaces serine 326 with arginine.
Molecular consequence: missense variant.
Genome position (GRCh38, 1-based): chr12:111,447,174, A>C. VCF-style: chr12-111447174-A-C. GRCh37 (hg19) VCF-style: chr12-111884978-A-C.
Other names: c.370A>C, p.Ser124Arg (NM_001291424.1); short protein forms S124R, S326R.
Identifiers: ClinVar variation 4164001 (VCV004164001.1).

ClinVar aggregate classification (germline): Uncertain significance (1 of 4 stars; one submission).

Conditions:
Inborn genetic diseases. Identifiers: MedGen C0950123, MeSH D030342.

Submission:

Ambry Genetics
Classification: Uncertain significance for Inborn genetic diseases. Last evaluated: 2025-08-21. Review status: criteria provided, single submitter. Criteria: Ambry Variant Classification Scheme 2023. Collection method: clinical testing. Allele origin: germline.
Comment: The p.S326R variant (also known as c.976A>C), located in coding exon 4 of the SH2B3 gene, results from an A to C substitution at nucleotide position 976. The serine at codon 326 is replaced by arginine, an amino acid with dissimilar properties. This amino acid position is conserved. In addition, this alteration is predicted to be tolerated by in silico analysis. Based on the available evidence, the clinical significance of this variant remains unclear.